The following is an entry in ClinVar:

ClinVar aggregate classification (germline): Uncertain significance (1 of 4 stars; one submission).

Allele frequency attached by ClinVar (database versions not stated): gnomAD exomes below 0.00001.
gnomAD v4.1: 1 of 1,547,730 alleles (0.000065%); no homozygotes.

Submission:

Labcorp Genetics (formerly Invitae), Labcorp
Classification: Uncertain significance. Last evaluated: 2021-11-17. Review status: criteria provided, single submitter. Criteria: Invitae Variant Classification Sherloc (09022015). Collection method: clinical testing. Allele origin: germline.
Comment: In summary, the available evidence is currently insufficient to determine the role of this variant in disease. Therefore, it has been classified as a Variant of Uncertain Significance. Algorithms developed to predict the effect of missense changes on protein structure and function (SIFT, PolyPhen-2, Align-GVGD) all suggest that this variant is likely to be tolerated. This variant has not been reported in the literature in individuals affected with FAM65B-related conditions. This variant is not present in population databases (gnomAD no frequency). This sequence change replaces glutamine, which is neutral and polar, with arginine, which is basic and polar, at codon 905 of the FAM65B protein (p.Gln905Arg).

NM_001286445.3(RIPOR2):c.2651A>G (p.Gln884Arg)

Gene: RIPOR2 (RHO family interacting cell polarization regulator 2; minus strand). Cytogenetic location: 6p22.3.
Variant type: single nucleotide variant.
Coding change: c.2651A>G on transcript NM_001286445.3 (MANE Select); coding-DNA position 2651, A replaced by G.
Protein change: p.Gln884Arg; replaces glutamine 884 with arginine.
Molecular consequence: missense variant.
Genome position (GRCh38, 1-based): chr6:24,828,151, T>C on the plus strand (A>G on the coding strand, the complement: RIPOR2 is on the minus strand). VCF-style: chr6-24828151-T-C. GRCh37 (hg19) VCF-style: chr6-24828379-T-C.
Other names: c.2564A>G, p.Gln855Arg (NM_001346031.2, NM_001346032.2); c.2714A>G, p.Gln905Arg (NM_014722.5); short protein forms Q855R, Q884R, Q905R.
Identifiers: ClinVar variation 1680484 (VCV001680484.6), dbSNP rs2113672810, ClinGen allele CA362988499.
Genomic context (GRCh38, chr6:24,828,151, plus strand): 5'-GCCAAATTGAGCCACCACTACAATGTGACAAAAGAACATGTCCCACCTTGCCTGGCCAGC[T>C]GGCTCAGGTAACTCTCCAGGTCACTGACGCCGTGGCTGGTGAAGTAACTGTAATACTGGA-3'
Protein context (NP_001273374.1, residues 874-894): GVSDLESYLS[Gln884Arg]LARQVSMVQT